The following is an entry in ClinVar:

ClinVar aggregate classification (germline): Uncertain significance. Review status: criteria provided, multiple submitters, no conflicts (2 of 4 stars). 2 submissions from 2 submitters: Uncertain significance (2). Last evaluated 2023-07-31.

Conditions:
Baller-Gerold syndrome (BGS). Also called: CRANIOSYNOSTOSIS WITH RADIAL DEFECTS. Identifiers: Orphanet 1225, MedGen C0265308, MONDO:0009039, OMIM 218600.
Hereditary cancer-predisposing syndrome. Also called: Neoplastic Syndromes, Hereditary; Hereditary Cancer Syndrome; Tumor predisposition; Hereditary neoplastic syndrome. Identifiers: Orphanet 140162, MedGen C0027672, MeSH D009386, MONDO:0015356.

Allele frequency attached by ClinVar (database versions not stated): gnomAD exomes 0.00001; TOPMed 0.00001; ExAC 0.00002; gnomAD 0.00002.
gnomAD v4.1: 8 of 1,601,134 alleles (0.0005%); highest among the groups gnomAD compares: African/African-American, 0.0054%; no homozygotes.

Submissions (2):

Labcorp Genetics (formerly Invitae), Labcorp
Classification: Uncertain significance for Baller-Gerold syndrome. Last evaluated: 2023-07-31. Review status: criteria provided, single submitter. Criteria: Invitae Variant Classification Sherloc (09022015). Collection method: clinical testing. Allele origin: germline.
Comment: This variant is present in population databases (rs752408076, gnomAD 0.008%). This variant has not been reported in the literature in individuals affected with RECQL4-related conditions. This sequence change replaces alanine, which is neutral and non-polar, with valine, which is neutral and non-polar, at codon 912 of the RECQL4 protein (p.Ala912Val). ClinVar contains an entry for this variant (Variation ID: 1692765). Advanced modeling of protein sequence and biophysical properties (such as structural, functional, and spatial information, amino acid conservation, physicochemical variation, residue mobility, and thermodynamic stability) performed at Invitae indicates that this missense variant is expected to disrupt RECQL4 protein function. In summary, the available evidence is currently insufficient to determine the role of this variant in disease. Therefore, it has been classified as a Variant of Uncertain Significance.

Sema4
Classification: Uncertain significance for Hereditary cancer-predisposing syndrome. Last evaluated: 2021-10-30. Review status: criteria provided, single submitter. Criteria: Sema4 Curation Guidelines. Collection method: curation. Allele origin: germline.
Comment: The RECQL4 c.2735C>T (p.A912V) variant has not been reported in the literature to our knowledge. It was observed in 1/13386 chromosomes of the African subpopulation in the large and broad cohorts of the Genome Aggregation Database (PMID: 32461654), but has not been reported in ClinVar. In silico tools suggest the impact of the variant on protein function is benign, though these predictions have not been confirmed by functional studies. The evidence is insufficient to meet ACMG/AMP criteria for classifying the variant as benign or pathogenic. Thus, the clinical significance of this variant is currently uncertain.

NM_004260.4(RECQL4):c.2735C>T (p.Ala912Val)

Gene: RECQL4 (RecQ like helicase 4; minus strand). Cytogenetic location: 8q24.3.
Variant type: single nucleotide variant.
Coding change: c.2735C>T on transcript NM_004260.4 (MANE Select); coding-DNA position 2735, C replaced by T.
Protein change: p.Ala912Val; replaces alanine 912 with valine.
Molecular consequence: missense variant.
Genome position (GRCh38, 1-based): chr8:144,512,867, G>A on the plus strand (C>T on the coding strand, the complement: RECQL4 is on the minus strand). VCF-style: chr8-144512867-G-A. GRCh37 (hg19) VCF-style: chr8-145738250-G-A.
Other names: short protein forms A912V.
Identifiers: ClinVar variation 1692765 (VCV001692765.6), dbSNP rs752408076, ClinGen allele CA4948131.